The following is an entry in ClinVar:

ClinVar aggregate classification (germline): Uncertain significance. Review status: criteria provided, multiple submitters, no conflicts (2 of 4 stars). 2 submissions from 2 submitters: Uncertain significance (2). Last evaluated 2022-09-27.

Conditions:
Sitosterolemia (STSL). Also called: PHYTOSTEROLEMIA. Identifiers: Orphanet 2882, MedGen C0342907, MONDO:0008863.

Allele frequency attached by ClinVar (database versions not stated): gnomAD exomes 0.00001 and 0.00002; TOPMed 0.00001; ExAC 0.00003; gnomAD 0.00001.
gnomAD v4.1: 16 of 1,613,854 alleles (0.00099%); highest among the groups gnomAD compares: African/African-American, 0.0027%; no homozygotes.

Submissions (2):

Labcorp Genetics (formerly Invitae), Labcorp
Classification: Uncertain significance for Sitosterolemia. Last evaluated: 2022-09-27. Review status: criteria provided, single submitter. Criteria: Invitae Variant Classification Sherloc (09022015). Collection method: clinical testing. Allele origin: germline.
Comment: In summary, the available evidence is currently insufficient to determine the role of this variant in disease. Therefore, it has been classified as a Variant of Uncertain Significance. Algorithms developed to predict the effect of missense changes on protein structure and function are either unavailable or do not agree on the potential impact of this missense change (SIFT: "Deleterious"; PolyPhen-2: "Possibly Damaging"; Align-GVGD: "Class C15"). ClinVar contains an entry for this variant (Variation ID: 1163707). This variant has not been reported in the literature in individuals affected with ABCG5-related conditions. This variant is present in population databases (rs772952717, gnomAD 0.004%). This sequence change replaces lysine, which is basic and polar, with glutamic acid, which is acidic and polar, at codon 212 of the ABCG5 protein (p.Lys212Glu).

Mayo Clinic Laboratories, Mayo Clinic
Classification: Uncertain significance. Last evaluated: 2020-12-15. Review status: criteria provided, single submitter. Criteria: ACMG Guidelines, 2015. Collection method: clinical testing. Allele origin: germline. Observed: 1 variant allele.

NM_022436.3(ABCG5):c.634A>G (p.Lys212Glu)

Genes: ABCG5 (ATP binding cassette subfamily G member 5; minus strand), DYNC2LI1 (dynein cytoplasmic 2 light intermediate chain 1; plus strand). Cytogenetic location: 2p21.
Variant type: single nucleotide variant.
Coding change: c.634A>G on transcript NM_022436.3 (MANE Select); coding-DNA position 634, A replaced by G.
Protein change: p.Lys212Glu; replaces lysine 212 with glutamic acid.
Molecular consequence: missense variant. On other transcripts: 3 prime UTR variant (2).
Genome position (GRCh38, 1-based): chr2:43,827,983, T>C on the plus strand (A>G on the coding strand, the complement: ABCG5 is on the minus strand). VCF-style: chr2-43827983-T-C. GRCh37 (hg19) VCF-style: chr2-44055122-T-C.
Other names: c.*613T>C (NM_001348912.2, NM_001348913.2); short protein forms K212E.
Identifiers: ClinVar variation 1163707 (VCV001163707.11), dbSNP rs772952717, ClinGen allele CA1636585.